The following is an entry in ClinVar:

NM_018368.4(LMBRD1):c.1192T>C (p.Tyr398His)

Gene: LMBRD1 (LMBR1 domain containing 1; minus strand). Cytogenetic location: 6q13.
Variant type: single nucleotide variant.
Coding change: c.1192T>C on transcript NM_018368.4 (MANE Select); coding-DNA position 1192, T replaced by C.
Protein change: p.Tyr398His; replaces tyrosine 398 with histidine.
Molecular consequence: missense variant.
Genome position (GRCh38, 1-based): chr6:69,699,189, A>G on the plus strand (T>C on the coding strand, the complement: LMBRD1 is on the minus strand). VCF-style: chr6-69699189-A-G. GRCh37 (hg19) VCF-style: chr6-70409081-A-G.
Other names: c.973T>C, p.Tyr325His (NM_001363722.2, NM_001367271.1, NM_001367272.1); short protein forms Y398H, Y325H.
Identifiers: ClinVar variation 357769 (VCV000357769.15), dbSNP rs185334169, ClinGen allele CA3879633.
Genomic context (GRCh38, chr6:69,699,189, plus strand): 5'-GAAGTATCATGCAGAGAAAAAGGAGTGCTTGGGGCCTGGTTCTACCTCTTCTGATTTTAT[A>G]TAACTGGAAAGAAAAGAGTGACAAAATTTCAGCAATATATTTCATTTATAAAGCATTAAA-3'
Protein context (NP_060838.3, residues 388-408): IGIWFFWIRL[Tyr398His]KIRRGRTRPQ

ClinVar aggregate classification (germline): Likely benign. Review status: criteria provided, multiple submitters, no conflicts (2 of 4 stars). 2 submissions from 2 submitters: Likely benign (2). Last evaluated 2026-02-01.

Conditions:
Methylmalonic aciduria and homocystinuria type cblF. Also called: COBALAMIN F DISEASE; COBALAMIN, DEFECT IN LYSOSOMAL RELEASE OF; METHYLMALONIC ACIDEMIA AND HOMOCYSTINURIA, cblF TYPE; METHYLMALONIC ACIDURIA DUE TO VITAMIN B12-RELEASE DEFECT; VITAMIN B12 LYSOSOMAL RELEASE DEFECT; VITAMIN B12 STORAGE DISEASE. Identifiers: Orphanet 79284, MedGen C1848578, MONDO:0010183, OMIM 277380.

Allele frequency attached by ClinVar (database versions not stated): gnomAD 0.00016 and 0.00032; gnomAD exomes 0.00022 and 0.00061; TOPMed 0.00043; ExAC 0.00071; 1000 Genomes Project 30x 0.00156; 1000 Genomes Project 0.00180.
gnomAD v4.1: 371 of 1,611,026 alleles (0.023%); highest among the groups gnomAD compares: East Asian, 0.64%; no homozygotes.

Submissions (2):

Labcorp Genetics (formerly Invitae), Labcorp
Classification: Likely benign for Methylmalonic aciduria and homocystinuria type cblF. Last evaluated: 2026-02-01. Review status: criteria provided, single submitter. Criteria: Invitae Variant Classification Sherloc (09022015). Collection method: clinical testing. Allele origin: germline.

Illumina Laboratory Services, Illumina
Classification: Likely benign for Methylmalonic aciduria and homocystinuria type cblF. Last evaluated: 2018-01-12. Review status: criteria provided, single submitter. Criteria: ICSL Variant Classification Criteria 13 December 2019. Collection method: clinical testing. Allele origin: germline.
Comment: This variant was observed in the ICSL laboratory as part of a predisposition screen in an ostensibly healthy population. It had not been previously curated by ICSL or reported in the Human Gene Mutation Database (HGMD: prior to June 1st, 2018), and was therefore a candidate for classification through an automated scoring system. Utilizing variant allele frequency, disease prevalence and penetrance estimates, and inheritance mode, an automated score was calculated to assess if this variant is too frequent to cause the disease. Based on the score and internal cut-off values, a variant classified as likely benign is not then subjected to further curation. The score for this variant resulted in a classification of likely benign for this disease.